The following is an entry in ClinVar:

ClinVar aggregate classification (germline): Uncertain significance (1 of 4 stars; one submission).

gnomAD v4.1: 129 of 1,612,582 alleles (0.008%); highest among the groups gnomAD compares: Admixed American, 0.018%; 1 homozygote.

Submission:

Labcorp Genetics (formerly Invitae), Labcorp
Classification: Uncertain significance. Last evaluated: 2025-04-17. Review status: criteria provided, single submitter. Criteria: Invitae Variant Classification Sherloc (09022015). Collection method: clinical testing. Allele origin: germline.
Comment: This sequence change replaces arginine, which is basic and polar, with histidine, which is basic and polar, at codon 563 of the FOCAD protein (p.Arg563His). This variant is present in population databases (rs370908909, gnomAD 0.03%). This variant has not been reported in the literature in individuals affected with FOCAD-related conditions. Experimental studies and prediction algorithms are not available or were not evaluated, and the functional significance of this variant is currently unknown. In summary, the available evidence is currently insufficient to determine the role of this variant in disease. Therefore, it has been classified as a Variant of Uncertain Significance.

NM_001375567.1(FOCAD):c.1688G>A (p.Arg563His)

Gene: FOCAD (focadhesin; plus strand). Cytogenetic location: 9p21.3.
Variant type: single nucleotide variant.
Coding change: c.1688G>A on transcript NM_001375567.1 (MANE Select); coding-DNA position 1688, G replaced by A.
Protein change: p.Arg563His; replaces arginine 563 with histidine.
Molecular consequence: missense variant.
Genome position (GRCh38, 1-based): chr9:20,820,966, G>A. VCF-style: chr9-20820966-G-A. GRCh37 (hg19) VCF-style: chr9-20820965-G-A.
Other names: c.1583G>A, p.Arg528His (NM_001375568.1, NM_001375570.1); c.1688G>A, p.Arg563His (NM_017794.5); short protein forms R528H, R563H.
Identifiers: ClinVar variation 4743636 (VCV004743636.1).